The following is an entry in ClinVar:

NM_000020.3(ACVRL1):c.652C>T (p.Arg218Trp)

Gene: ACVRL1 (activin A receptor like type 1; plus strand). Cytogenetic location: 12q13.13.
Variant type: single nucleotide variant.
Coding change: c.652C>T on transcript NM_000020.3 (MANE Select); coding-DNA position 652, C replaced by T.
Protein change: p.Arg218Trp; replaces arginine 218 with tryptophan.
Molecular consequence: missense variant.
Genome position (GRCh38, 1-based): chr12:51,914,465, C>T. VCF-style: chr12-51914465-C-T. GRCh37 (hg19) VCF-style: chr12-52308249-C-T.
Other names: NM_000020.3(ACVRL1):c.652C>T; p.Arg218Trp; c.652C>T, p.Arg218Trp (NM_001077401.2); c.652C>T (NM_000020.2); short protein forms R218W.
Identifiers: ClinVar variation 802861 (VCV000802861.36), dbSNP rs199874575, ClinGen allele CA6572962.
Genomic context (GRCh38, chr12:51,914,465, plus strand): 5'-GTGTGTAACCCTCACCTTCCCCTCTGGCCATCAGGAAAAGGCCGCTATGGCGAAGTGTGG[C>T]GGGGCTTGTGGCACGGTGAGAGTGTGGCCGTCAAGATCTTCTCCTCGAGGGATGAACAGT-3'
Protein context (NP_000011.2, residues 208-228): VGKGRYGEVW[Arg218Trp]GLWHGESVAV

ClinVar aggregate classification (germline): Likely benign. Review status: reviewed by expert panel (3 of 4 stars). 10 submissions from 10 submitters: Likely benign (1). 9 of the submissions do not count toward it. Last evaluated 2024-03-15.

Conditions:
ACVRL1-related disorder. Also called: ACVRL1-related condition; ACVRL1-related disorders.
Cardiovascular phenotype. Identifiers: MedGen CN230736.
Telangiectasia, hereditary hemorrhagic, type 2 (HHT2). Also called: Telangiectasia, hereditary hemorrhagic, type II; ACVRL1-Related Hereditary Hemorrhagic Telangiectasia. Identifiers: Orphanet 774, MedGen C1838163, MONDO:0010880, OMIM 600376. Disease mechanism: loss of function.

Allele frequency attached by ClinVar (database versions not stated): ESP Exome Variant Server 0.00008; gnomAD 0.00014 and 0.00021; gnomAD exomes 0.00014 and 0.00036; 1000 Genomes Project 0.00020; TOPMed 0.00022; ExAC 0.00036; 1000 Genomes Project 30x 0.00047.

Submissions (11):

ClinGen Hereditary Hemorrhagic Telangiectasia Variant Curation Expert Panel, ClinGen
Classification: Likely benign for Telangiectasia, hereditary hemorrhagic, type 2. Last evaluated: 2024-03-15. Review status: reviewed by expert panel. Criteria: ClinGen HHT ACMG Specifications ACVRL1 V1.1.0. Collection method: curation. Allele origin: germline. Inheritance: Autosomal dominant inheritance.
Comment: The NM_000020.3: c.652C>T variant in ACVRL1 is a missense variant predicted to cause substitution of arginine by tryptophan at amino acid 218 (p.Arg218Trp). The filtering allele frequency (the lower threshold of the 95% CI of 54/19950) of the c.652C>T variant in ACVRL1 is 0.002551 for East Asian chromosomes by gnomAD v2.1.1, which is higher than the ClinGen Hereditary Hemorrhagic Telangiectasia Variant Curation Expert Panel threshold (>0.002) for BS1, and therefore meets this criterion (BS1). The computational predictor REVEL gives a score of 0.816, which is above the threshold of greater than or equal to 0.644, evidence that correlates with impact to ACVRL1 function (PP3). In summary, this variant meets the criteria to be classified as likely benign for autosomal dominant hereditary hemorrhagic telangiectasia based on the ACMG/AMP criteria applied, as specified by the ClinGen Hereditary Hemorrhagic Telangiectasia Variant Curation Expert Panel: BS1, PP3 (specification version 1.0.0; 1/4/2024).

CeGaT Center for Human Genetics Tuebingen
Classification: Likely benign. Last evaluated: 2026-02-01. Review status: criteria provided, single submitter. Criteria: CeGaT Center For Human Genetics Tuebingen Variant Classification Criteria Version 2. Collection method: clinical testing. Allele origin: germline. Affected: yes. Observed: 2 variant alleles. Not counted in ClinVar's aggregate classification.
Comment: ACVRL1: PM5, BS1

Labcorp Genetics (formerly Invitae), Labcorp
Classification: Benign for Telangiectasia, hereditary hemorrhagic, type 2. Last evaluated: 2025-12-20. Review status: criteria provided, single submitter. Criteria: Invitae Variant Classification Sherloc (09022015). Collection method: clinical testing. Allele origin: germline. Not counted in ClinVar's aggregate classification.

Mayo Clinic Laboratories, Mayo Clinic
Classification: Likely benign. Last evaluated: 2024-12-27. Review status: criteria provided, single submitter. Criteria: ACMG Guidelines, 2015. Collection method: clinical testing. Allele origin: germline. Observed: 1 variant allele. Not counted in ClinVar's aggregate classification.
Comment: BS1, PP3_moderate

Ambry Genetics
Classification: Benign for Cardiovascular phenotype. Last evaluated: 2023-05-01. Review status: criteria provided, single submitter. Criteria: Ambry Variant Classification Scheme 2023. Collection method: clinical testing. Allele origin: germline. Not counted in ClinVar's aggregate classification.

Fulgent Genetics
Classification: Likely benign for Telangiectasia, hereditary hemorrhagic, type 2. Last evaluated: 2021-12-07. Review status: criteria provided, single submitter. Criteria: ACMG Guidelines, 2015. Collection method: clinical testing. Allele origin: unknown. Not counted in ClinVar's aggregate classification.

Genome-Nilou Lab
Classification: Benign for Telangiectasia, hereditary hemorrhagic, type 2. Last evaluated: 2021-12-05. Review status: criteria provided, single submitter. Criteria: ACMG Guidelines, 2015. Collection method: clinical testing. Allele origin: germline. Affected: no. Not counted in ClinVar's aggregate classification.

Department of Pathology and Laboratory Medicine, Sinai Health System
Classification: Benign for telangiectasia, hereditary hemorrhagic, type 2. Last evaluated: 2020-08-14. Review status: criteria provided, single submitter. Criteria: ACMG Guidelines, 2015. Collection method: research. Allele origin: germline. Not counted in ClinVar's aggregate classification.

Mendelics
Classification: Benign for Telangiectasia, hereditary hemorrhagic, type 2. Last evaluated: 2019-05-28. Review status: criteria provided, single submitter. Criteria: Mendelics Assertion Criteria 2017. Collection method: clinical testing. Allele origin: unknown. Not counted in ClinVar's aggregate classification.

PreventionGenetics, part of Exact Sciences
Classification: Likely benign for ACVRL1-related condition. Last evaluated: 2023-12-27. Review status: no assertion criteria provided. Collection method: clinical testing. Allele origin: germline. Not counted in ClinVar's aggregate classification.
Comment: This variant is classified as likely benign based on ACMG/AMP sequence variant interpretation guidelines (Richards et al. 2015 PMID: 25741868, with internal and published modifications).

Dr. Peter K. Rogan Lab, Western University
No classification provided (evidence only). Condition: Clear cell carcinoma of kidney. Review status: no classification provided. Collection method: in vitro. Allele origin: not applicable. Functional consequence: retained intron. Not counted in ClinVar's aggregate classification.

Literature cited by the submitters: PubMed 27625857 (cited by Mayo Clinic Laboratories, Mayo Clinic); PubMed 28412737 (cited by Mayo Clinic Laboratories, Mayo Clinic); PubMed 30120215 (cited by Mayo Clinic Laboratories, Mayo Clinic); PubMed 38215673 (cited by Mayo Clinic Laboratories, Mayo Clinic).